The following is an entry in ClinVar:

NM_000127.3(EXT1):c.1712C>T (p.Ser571Leu)

Gene: EXT1 (exostosin glycosyltransferase 1; minus strand). Cytogenetic location: 8q24.11.
Variant type: single nucleotide variant.
Coding change: c.1712C>T on transcript NM_000127.3 (MANE Select); coding-DNA position 1712, C replaced by T.
Protein change: p.Ser571Leu; replaces serine 571 with leucine.
Molecular consequence: missense variant.
Genome position (GRCh38, 1-based): chr8:117,812,882, G>A on the plus strand (C>T on the coding strand, the complement: EXT1 is on the minus strand). VCF-style: chr8-117812882-G-A. GRCh37 (hg19) VCF-style: chr8-118825121-G-A.
Other names: short protein forms S571L.
Identifiers: ClinVar variation 1369374 (VCV001369374.8), dbSNP rs1305323658, ClinGen allele CA371880874.
Genomic context (GRCh38, chr8:117,812,882, plus strand): 5'-GGTGACTGCCTGAACAGCCCACCTGCTGCTCCTCAGGCATGGGTTCTTACCTCTGTTGTT[G>A]AAAGCACCGTGTCCTCGTCAAGGCTGAGCACGGCGTCTGTGATGATGTTGTCGTAGGGCA-3'
Protein context (NP_000118.2, residues 561-581): VLSLDEDTVL[Ser571Leu]TTEVDFAFTV

ClinVar aggregate classification (germline): Uncertain significance (1 of 4 stars; one submission).

Conditions:
Multiple congenital exostosis (EXT). Also called: Hereditary multiple osteochondromas; MULTIPLE CARTILAGINOUS EXOSTOSES; Multiple exostoses; Hereditary multiple exostoses; Hereditary multiple exostosis; Multiple osteochondromas. Identifiers: Orphanet 321, MedGen C0015306, MONDO:0005508, HP:0002762.

Allele frequency attached by ClinVar (database versions not stated): gnomAD exomes below 0.00001; gnomAD 0.00001; TOPMed 0.00001.
gnomAD v4.1: 3 of 1,613,908 alleles (0.00019%); highest among the groups gnomAD compares: Non-Finnish European, 0.00025%; no homozygotes.

Submission:

Labcorp Genetics (formerly Invitae), Labcorp
Classification: Uncertain significance for Multiple congenital exostosis. Last evaluated: 2023-07-03. Review status: criteria provided, single submitter. Criteria: Invitae Variant Classification Sherloc (09022015). Collection method: clinical testing. Allele origin: germline.
Comment: In summary, the available evidence is currently insufficient to determine the role of this variant in disease. Therefore, it has been classified as a Variant of Uncertain Significance. Advanced modeling of protein sequence and biophysical properties (such as structural, functional, and spatial information, amino acid conservation, physicochemical variation, residue mobility, and thermodynamic stability) performed at Invitae indicates that this missense variant is not expected to disrupt EXT1 protein function. ClinVar contains an entry for this variant (Variation ID: 1369374). This variant has not been reported in the literature in individuals affected with EXT1-related conditions. This variant is not present in population databases (gnomAD no frequency). This sequence change replaces serine, which is neutral and polar, with leucine, which is neutral and non-polar, at codon 571 of the EXT1 protein (p.Ser571Leu).